The following is an entry in ClinVar:

NM_001613.4(ACTA2):c.411T>A (p.Ala137=)

Gene: ACTA2 (actin alpha 2, smooth muscle; minus strand). Cytogenetic location: 10q23.31.
Variant type: single nucleotide variant.
Coding change: c.411T>A on transcript NM_001613.4 (MANE Select); coding-DNA position 411, T replaced by A.
Protein change: p.Ala137=; no amino-acid change (alanine 137 retained).
Molecular consequence: synonymous variant.
Genome position (GRCh38, 1-based): chr10:88,941,828, A>T on the plus strand (T>A on the coding strand, the complement: ACTA2 is on the minus strand). VCF-style: chr10-88941828-A-T. GRCh37 (hg19) VCF-style: chr10-90701585-A-T.
Other names: c.411T>A, p.Ala137= (NM_001141945.3, NM_001320855.2, NM_001406462.1 and 3 more transcripts); c.300T>A, p.Ala100= (NM_001406466.1); c.282T>A, p.Ala94= (NM_001406467.1, NM_001406468.1, NM_001406469.1).
Identifiers: ClinVar variation 509490 (VCV000509490.16), dbSNP rs191977133, ClinGen allele CA028214.

ClinVar aggregate classification (germline): Likely benign. Review status: criteria provided, multiple submitters, no conflicts (2 of 4 stars). 5 submissions from 5 submitters: Likely benign (4). 1 of the submissions does not count toward it. Last evaluated 2024-02-12.

Conditions:
Familial thoracic aortic aneurysm and aortic dissection (TAAD). Also called: Thoracic aortic aneurysms and dissections. Identifiers: Orphanet 91387, MedGen C4707243, MONDO:0019625.
ACTA2-related disorder. Also called: ACTA2-related condition; ACTA2-related disorders.
Aortic aneurysm, familial thoracic 6 (AAT6). Also called: FAMILIAL THORACIC AORTIC ANEURYSM WITH LIVEDO RETICULARIS AND IRIS FLOCCULI. Identifiers: MedGen C2673186, MONDO:0012730, OMIM 611788.

Allele frequency attached by ClinVar (database versions not stated): gnomAD 0.00001; gnomAD exomes 0.00001 and 0.00002; ExAC 0.00003; 1000 Genomes Project 30x 0.00016; 1000 Genomes Project 0.00020.

Submissions (5):

Labcorp Genetics (formerly Invitae), Labcorp
Classification: Likely benign for Aortic aneurysm, familial thoracic 6. Last evaluated: 2024-02-12. Review status: criteria provided, single submitter. Criteria: Invitae Variant Classification Sherloc (09022015). Collection method: clinical testing. Allele origin: germline.

Ambry Genetics
Classification: Likely benign for Familial thoracic aortic aneurysm and aortic dissection. Last evaluated: 2023-07-01. Review status: criteria provided, single submitter. Criteria: Ambry Variant Classification Scheme 2023. Collection method: clinical testing. Allele origin: germline.

GeneDx
Classification: Likely benign. Last evaluated: 2020-12-30. Review status: criteria provided, single submitter. Criteria: GeneDx Variant Classification Process June 2021. Collection method: clinical testing. Allele origin: germline. Affected: yes.

Color Diagnostics, LLC DBA Color Health
Classification: Likely benign for Familial thoracic aortic aneurysm and aortic dissection. Last evaluated: 2018-11-09. Review status: criteria provided, single submitter. Criteria: ACMG Guidelines, 2015. Collection method: clinical testing. Allele origin: germline.

PreventionGenetics, part of Exact Sciences
Classification: Likely benign for ACTA2-related condition. Last evaluated: 2019-08-27. Review status: no assertion criteria provided. Collection method: clinical testing. Allele origin: germline. Not counted in ClinVar's aggregate classification.
Comment: This variant is classified as likely benign based on ACMG/AMP sequence variant interpretation guidelines (Richards et al. 2015 PMID: 25741868, with internal and published modifications).